The following is an entry in ClinVar:

NM_005689.4(ABCB6):c.1402G>A (p.Ala468Thr)

Gene: ABCB6 (ATP binding cassette subfamily B member 6 (LAN blood group); minus strand). Cytogenetic location: 2q35.
Variant type: single nucleotide variant.
Coding change: c.1402G>A on transcript NM_005689.4 (MANE Select); coding-DNA position 1402, G replaced by A.
Protein change: p.Ala468Thr; replaces alanine 468 with threonine.
Molecular consequence: missense variant.
Genome position (GRCh38, 1-based): chr2:219,214,171, C>T on the plus strand (G>A on the coding strand, the complement: ABCB6 is on the minus strand). VCF-style: chr2-219214171-C-T. GRCh37 (hg19) VCF-style: chr2-220078893-C-T.
Other names: c.1264G>A, p.Ala422Thr (NM_001349828.2); short protein forms A422T, A468T.
Identifiers: ClinVar variation 3620189 (VCV003620189.2).

ClinVar aggregate classification (germline): Uncertain significance (1 of 4 stars; one submission).

gnomAD v4.1: 3 of 1,614,180 alleles (0.00019%); highest among the groups gnomAD compares: Middle Eastern, 0.016%; no homozygotes.

Submission:

Labcorp Genetics (formerly Invitae), Labcorp
Classification: Uncertain significance. Last evaluated: 2024-03-23. Review status: criteria provided, single submitter. Criteria: Invitae Variant Classification Sherloc (09022015). Collection method: clinical testing. Allele origin: germline.
Comment: This sequence change replaces alanine, which is neutral and non-polar, with threonine, which is neutral and polar, at codon 468 of the ABCB6 protein (p.Ala468Thr). This variant is present in population databases (rs777270402, gnomAD 0.006%). This variant has not been reported in the literature in individuals affected with ABCB6-related conditions. An algorithm developed to predict the effect of missense changes on protein structure and function (PolyPhen-2) suggests that this variant is likely to be tolerated. In summary, the available evidence is currently insufficient to determine the role of this variant in disease. Therefore, it has been classified as a Variant of Uncertain Significance.